The following is an entry in ClinVar:

ClinVar aggregate classification (germline): Uncertain significance. Review status: criteria provided, multiple submitters, no conflicts (2 of 4 stars). 7 submissions from 7 submitters: Uncertain significance (7). Last evaluated 2025-05-10.

Conditions:
Fraser syndrome 3. Identifiers: MedGen C4540040, MONDO:0054739, OMIM 617667.
GRIP1-related disorder. Also called: GRIP1-related condition.
Inborn genetic diseases. Identifiers: MedGen C0950123, MeSH D030342.

Allele frequency attached by ClinVar (database versions not stated): TOPMed 0.00069; gnomAD exomes 0.00070 and 0.00095; ExAC 0.00071; gnomAD 0.00090 and 0.00094; ESP Exome Variant Server 0.00099.
gnomAD v4.1: 1,513 of 1,613,768 alleles (0.094%); highest among the groups gnomAD compares: Non-Finnish European, 0.11%; no homozygotes.

Submissions (7):

PreventionGenetics, part of Exact Sciences
Classification: Uncertain significance for GRIP1-related condition. Last evaluated: 2025-05-10. Review status: criteria provided, single submitter. Criteria: ACMG Guidelines, 2015. Collection method: clinical testing. Allele origin: germline.
Comment: The GRIP1 c.817T>C variant is predicted to result in the amino acid substitution p.Cys273Arg. To our knowledge, this variant has not been reported in the literature. This variant is reported in 0.11% of alleles in individuals of European (Non-Finnish) descent in gnomAD. Although we suspect that this variant may be benign, at this time, the clinical significance of this variant is uncertain due to the absence of conclusive functional and genetic evidence.

Blueprint Genetics
Classification: Uncertain significance. Last evaluated: 2024-10-01. Review status: criteria provided, single submitter. Criteria: ACMG Guidelines, 2015. Collection method: clinical testing. Allele origin: germline.

Ambry Genetics
Classification: Uncertain significance for Inborn genetic diseases. Last evaluated: 2023-12-27. Review status: criteria provided, single submitter. Criteria: Ambry Variant Classification Scheme 2023. Collection method: clinical testing. Allele origin: germline.

Labcorp Genetics (formerly Invitae), Labcorp
Classification: Uncertain significance. Last evaluated: 2022-07-15. Review status: criteria provided, single submitter. Criteria: Invitae Variant Classification Sherloc (09022015). Collection method: clinical testing. Allele origin: germline.
Comment: This sequence change replaces cysteine, which is neutral and slightly polar, with arginine, which is basic and polar, at codon 273 of the GRIP1 protein (p.Cys273Arg). This variant is present in population databases (rs201673783, gnomAD 0.1%), and has an allele count higher than expected for a pathogenic variant. This variant has not been reported in the literature in individuals affected with GRIP1-related conditions. ClinVar contains an entry for this variant (Variation ID: 198899). Algorithms developed to predict the effect of missense changes on protein structure and function are either unavailable or do not agree on the potential impact of this missense change (SIFT: "Deleterious"; PolyPhen-2: "Benign"; Align-GVGD: "Class C0"). In summary, the available evidence is currently insufficient to determine the role of this variant in disease. Therefore, it has been classified as a Variant of Uncertain Significance.

Fulgent Genetics
Classification: Uncertain significance for Fraser syndrome 3. Last evaluated: 2022-04-28. Review status: criteria provided, single submitter. Criteria: ACMG Guidelines, 2015. Collection method: clinical testing. Allele origin: unknown.

Illumina Laboratory Services, Illumina
Classification: Uncertain significance for Fraser syndrome 3. Last evaluated: 2018-01-12. Review status: criteria provided, single submitter. Criteria: ICSL Variant Classification Criteria 13 December 2019. Collection method: clinical testing. Allele origin: germline.

Eurofins Ntd Llc (ga)
Classification: Uncertain significance. Last evaluated: 2015-01-28. Review status: criteria provided, single submitter. Criteria: EGL Classification Definitions 2015. Collection method: clinical testing. Allele origin: germline. Observed: 1 variant allele, 1 heterozygote.

NM_001366722.1(GRIP1):c.817T>C (p.Cys273Arg)

Gene: GRIP1 (glutamate receptor interacting protein 1; minus strand). Cytogenetic location: 12q14.3.
Variant type: single nucleotide variant.
Coding change: c.817T>C on transcript NM_001366722.1 (MANE Select); coding-DNA position 817, T replaced by C.
Protein change: p.Cys273Arg; replaces cysteine 273 with arginine.
Molecular consequence: missense variant.
Genome position (GRCh38, 1-based): chr12:66,465,330, A>G on the plus strand (T>C on the coding strand, the complement: GRIP1 is on the minus strand). VCF-style: chr12-66465330-A-G. GRCh37 (hg19) VCF-style: chr12-66859110-A-G.
Other names: c.817T>C, p.Cys273Arg (NM_001178074.2, NM_021150.4); c.895T>C, p.Cys299Arg (NM_001366723.1, NM_001366724.1); short protein forms C273R, C299R.
Identifiers: ClinVar variation 198899 (VCV000198899.14), dbSNP rs201673783, ClinGen allele CA247793.